The following is an entry in ClinVar:

ClinVar aggregate classification (germline): Likely pathogenic (1 of 4 stars; one submission).

Conditions:
MED13L-related disorder. Also called: MED13L-related condition.

Submission:

PreventionGenetics, part of Exact Sciences
Classification: Likely pathogenic for MED13L-related condition. Last evaluated: 2023-04-17. Review status: criteria provided, single submitter. Criteria: ACMG Guidelines, 2015. Collection method: clinical testing. Allele origin: germline.
Comment: The MED13L c.1704dupA variant is predicted to result in a frameshift and premature protein termination (p.Glu569Argfs*29). To our knowledge, this variant has not been reported in the literature or in a large population database, indicating this variant is rare. Frameshift variants in MED13L are expected to be pathogenic (see, for example, Figure 1 of Smol et al. 2018. PubMed ID: 29511999). This variant is interpreted as likely pathogenic.

NM_015335.5(MED13L):c.1704dup (p.Glu569fs)

Gene: MED13L (mediator complex subunit 13L; minus strand). Cytogenetic location: 12q24.21.
Variant type: Duplication.
Coding change: c.1704dup on transcript NM_015335.5 (MANE Select); coding-DNA position 1704, one base duplicated (A; older notation c.1704dupA).
Protein change: p.Glu569fs; shifts the reading frame from glutamic acid 569.
Molecular consequence: frameshift variant.
Genome position (GRCh38, 1-based): chr12:116,008,709, T duplicated on the plus strand (A on the coding strand, the reverse complement: MED13L is on the minus strand). VCF-style (leftmost placement, unchanged base first): chr12-116008708-C-CT. GRCh37 (hg19) VCF-style: chr12-116446513-C-CT.
Other names: short protein forms E569fs.
Identifiers: ClinVar variation 2633465 (VCV002633465.1), dbSNP rs2499912315, ClinGen allele CA2695199179.
Genomic context (GRCh38, chr12:116,008,708, plus strand): 5'-GTTCTAGTCCATTTCCATAAAGGGCTGGATTCACAGGGACCGATGGTGGGTCCAAACTCT[C>CT]TGTTTCCTGACCTCGTGGCTGAGGGCTGAGTGTTGGTGGCAGAGGGGATATAGGGGAATG-3'